The following is an entry in ClinVar:

NM_201253.2:c.1454_1455insAlu

Gene: CRB1 (crumbs cell polarity complex component 1; plus strand). Cytogenetic location: 1q31.3.
Variant type: Insertion.
Identifiers: ClinVar variation 870263 (VCV000870263.1).

ClinVar aggregate classification (germline): Pathogenic (1 of 4 stars; one submission).

Conditions:
Retinitis pigmentosa 12 (RP12). Also called: RP WITH OR WITHOUT PPRPE; RP WITH OR WITHOUT PRESERVED PARAARTERIOLE RETINAL PIGMENT EPITHELIUM; RETINITIS PIGMENTOSA WITH OR WITHOUT PARAARTERIOLAR PRESERVATION OF RETINAL PIGMENT EPITHELIUM. Identifiers: Orphanet 791, MedGen C1838647, MONDO:0010818, OMIM 600105.
Leber congenital amaurosis 8 (LCA8). Identifiers: Orphanet 65, MedGen C3151202, MONDO:0013453, OMIM 613835.

Submission:

Labcorp Genetics (formerly Invitae), Labcorp
Classification: Pathogenic for Leber congenital amaurosis 8; Retinitis pigmentosa 12. Last evaluated: 2019-12-22. Review status: criteria provided, single submitter. Criteria: Invitae Variant Classification Sherloc (09022015). Collection method: clinical testing. Allele origin: germline.
Comment: This sequence change inserts a large fragment of DNA, likely a transposable element, in exon 6 of the CRB1 gene (c.1454_1455insAlu), causing a frameshift at codon 486 (p.Leu486fs). The exact size and sequence of the insertion cannot be determined by the current assay. However, the insertion is expected to result in an absent or disrupted protein product. This variant is not present in population databases (ExAC no frequency). This variant has not been reported in the literature in individuals with CRB1-related conditions. Algorithms developed to predict the effect of sequence changes on RNA splicing suggest that this variant may create or strengthen a splice site, but this prediction has not been confirmed by published transcriptional studies. Retrotransposon insertions including LINE1 (L1), Alu, and SVA (SINE-VNTR-Alu) have been reported to be disease-causing through disruption of either a coding region or splice site (PMID: 19763152, 20307669, 22406018) and loss-of-function variants in CRB1 are known to be pathogenic (PMID: 10508521, 22065545, 23379534, 25412400, 26957898, 28041643, 29391521). For these reasons, this variant has been classified as Pathogenic.

Literature cited by the submitters: PubMed 22065545; PubMed 23379534; PubMed 20307669; PubMed 28041643; PubMed 26957898; PubMed 22406018; PubMed 29391521; PubMed 25412400; PubMed 10508521; PubMed 19763152.